The following is an entry in ClinVar:

ClinVar aggregate classification (germline): Uncertain significance. Review status: criteria provided, multiple submitters, no conflicts (2 of 4 stars). 5 submissions from 5 submitters: Uncertain significance (5). Last evaluated 2025-07-17.

Conditions:
Spermatogenic failure 28. Identifiers: MedGen C4748117, MONDO:0054732, OMIM 618086.
Premature ovarian failure 15. Identifiers: MedGen C4748170, MONDO:0054862, OMIM 618096.
Fanconi anemia (FA). Also called: Fanconi's anemia. Identifiers: Orphanet 84, MedGen C0015625, MeSH D005199, MONDO:0019391.

Allele frequency attached by ClinVar (database versions not stated): gnomAD 0.00003; gnomAD exomes 0.00005 and 0.00015; TOPMed 0.00009; ExAC 0.00010.
gnomAD v4.1: 88 of 1,610,214 alleles (0.0055%); highest among the groups gnomAD compares: Middle Eastern, 0.14%; no homozygotes.

Submissions (5):

Quest Diagnostics Nichols Institute San Juan Capistrano
Classification: Uncertain significance. Last evaluated: 2025-07-17. Review status: criteria provided, single submitter. Criteria: Quest Diagnostics criteria. Collection method: clinical testing. Allele origin: unknown.
Comment: The FANCM c.808C>T (p.Arg270Cys) variant has been observed in the published literature in individuals with a personal and/or family history of breast and/or ovarian cancer (PMID: 28881617 (2017), 31921681 (2019), 32994724 (2020), 33471991 (2021), see also LOVD, 36707629 (2023)), endometrial cancer (PMID: 36293153 (2022)) and reportedly unaffected individuals (PMID: 33471991 (2021), see also LOVD). The frequency of this variant in the general population (Genome Aggregation Database) is higher than would generally be expected for pathogenic variants in this gene. Analysis of this variant using bioinformatics tools for the prediction of the effect of amino acid changes on protein structure and function yielded conflicting predictions that this variant is benign or damaging. Based on the available information, we are unable to determine the clinical significance of this variant.

Labcorp Genetics (formerly Invitae), Labcorp
Classification: Uncertain significance for Fanconi anemia. Last evaluated: 2024-11-02. Review status: criteria provided, single submitter. Criteria: Invitae Variant Classification Sherloc (09022015). Collection method: clinical testing. Allele origin: germline.
Comment: This sequence change replaces arginine, which is basic and polar, with cysteine, which is neutral and slightly polar, at codon 270 of the FANCM protein (p.Arg270Cys). This variant is present in population databases (rs751006401, gnomAD 0.09%). This missense change has been observed in individual(s) with breast and/or ovarian cancer (PMID: 31921681, 32994724). ClinVar contains an entry for this variant (Variation ID: 665116). An algorithm developed to predict the effect of missense changes on protein structure and function (PolyPhen-2) suggests that this variant is likely to be disruptive. In summary, the available evidence is currently insufficient to determine the role of this variant in disease. Therefore, it has been classified as a Variant of Uncertain Significance.

GeneDx
Classification: Uncertain significance. Last evaluated: 2024-09-17. Review status: criteria provided, single submitter. Criteria: GeneDx Variant Classification Process June 2021. Collection method: clinical testing. Allele origin: germline. Affected: yes.
Comment: Observed in individuals with breast, ovarian, or endometrial cancer (PMID: 28881617, 32994724, 36293153); In silico analysis supports that this missense variant has a deleterious effect on protein structure/function; This variant is associated with the following publications: (PMID: 32994724, 28881617, 36293153, 31921681, 33471991)

Blueprint Genetics
Classification: Uncertain significance. Last evaluated: 2024-08-01. Review status: criteria provided, single submitter. Criteria: ACMG Guidelines, 2015. Collection method: clinical testing. Allele origin: germline.

Fulgent Genetics
Classification: Uncertain significance for Spermatogenic failure 28; Premature ovarian failure 15. Last evaluated: 2024-02-02. Review status: criteria provided, single submitter. Criteria: ACMG Guidelines, 2015. Collection method: clinical testing. Allele origin: germline.

Literature cited by the submitters: PubMed 36293153 (cited by Quest Diagnostics Nichols Institute San Juan Capistrano); PubMed 36707629 (cited by Quest Diagnostics Nichols Institute San Juan Capistrano); PubMed 33471991 (cited by Quest Diagnostics Nichols Institute San Juan Capistrano); PubMed 32994724 (cited by Quest Diagnostics Nichols Institute San Juan Capistrano and Labcorp Genetics (formerly Invitae), Labcorp); PubMed 31921681 (cited by Quest Diagnostics Nichols Institute San Juan Capistrano and Labcorp Genetics (formerly Invitae), Labcorp); PubMed 28881617 (cited by Quest Diagnostics Nichols Institute San Juan Capistrano).

NM_020937.4(FANCM):c.808C>T (p.Arg270Cys)

Gene: FANCM (FA complementation group M; plus strand). Cytogenetic location: 14q21.2.
Variant type: single nucleotide variant.
Coding change: c.808C>T on transcript NM_020937.4 (MANE Select); coding-DNA position 808, C replaced by T.
Protein change: p.Arg270Cys; replaces arginine 270 with cysteine.
Molecular consequence: missense variant.
Genome position (GRCh38, 1-based): chr14:45,148,885, C>T. VCF-style: chr14-45148885-C-T. GRCh37 (hg19) VCF-style: chr14-45618088-C-T.
Other names: c.730C>T, p.Arg244Cys (NM_001308133.2); c.808C>T, p.Arg270Cys (NM_001308134.2); c.808C>T (NM_020937.3); short protein forms R244C, R270C.
Identifiers: ClinVar variation 665116 (VCV000665116.19), dbSNP rs751006401, ClinGen allele CA7168858.